The following is an entry in ClinVar:

NM_001077365.2(POMT1):c.699+32C>T

Gene: POMT1 (protein O-mannosyltransferase 1; plus strand). Cytogenetic location: 9q34.13.
Variant type: single nucleotide variant.
Coding change: c.699+32C>T on transcript NM_001077365.2 (MANE Select); 32 bases into the intron after coding-DNA position 699, C replaced by T.
Molecular consequence: intron variant. On other transcripts: missense variant (7), non-coding transcript variant (1).
Genome position (GRCh38, 1-based): chr9:131,510,028, C>T. VCF-style: chr9-131510028-C-T. GRCh37 (hg19) VCF-style: chr9-134385415-C-T.
Other names: c.731C>T (NM_007171.3); c.731C>T, p.Pro244Leu (NM_001353193.2, NM_007171.4); c.569C>T, p.Pro190Leu (NM_001353197.2, NM_001353198.2, NM_001374689.1); c.380C>T, p.Pro127Leu (NM_001353199.2); c.275C>T, p.Pro92Leu (NM_001374695.1); c.699+32C>T (NM_001136113.2, NM_001374690.1); c.537+32C>T (NM_001353194.2, NM_001077366.2, NM_001374693.1); c.348+32C>T (NM_001374691.1, NM_001353195.2, NM_001374692.1 and 1 more transcripts); and 2 more; short protein forms P127L, P190L, P244L, P92L.
Identifiers: ClinVar variation 1010883 (VCV001010883.8), dbSNP rs201225383, ClinGen allele CA5293379.

ClinVar aggregate classification (germline): Uncertain significance. Review status: criteria provided, multiple submitters, no conflicts (2 of 4 stars). 2 submissions from 2 submitters: Uncertain significance (2). Last evaluated 2022-06-13.

Conditions:
Muscular dystrophy-dystroglycanopathy (congenital with impaired intellectual development), type B, 1. Also called: MUSCULAR DYSTROPHY, CONGENITAL, POMT1-RELATED; Muscular dystrophy-dystroglycanopathy (congenital with intellectual disability), type B1. Identifiers: MedGen C5436962, MONDO:0013159, OMIM 613155.
Autosomal recessive limb-girdle muscular dystrophy type 2K. Also called: MUSCULAR DYSTROPHY-DYSTROGLYCANOPATHY (LIMB-GIRDLE), TYPE C, 1; MUSCULAR DYSTROPHY, LIMB-GIRDLE, TYPE 2K. Identifiers: Orphanet 86812, MedGen C1836373, MONDO:0012248, OMIM 609308.
Walker-Warburg congenital muscular dystrophy. Also called: Muscular dystrophy-dystroglycanopathy, type A; Walker-Warburg syndrome. Identifiers: Orphanet 899, MedGen C0265221, MONDO:0000171.

Allele frequency attached by ClinVar (database versions not stated): gnomAD 0.00001 and 0.00002; ExAC 0.00002; gnomAD exomes 0.00004; TOPMed 0.00002.
gnomAD v4.1: 39 of 1,614,044 alleles (0.0024%); highest among the groups gnomAD compares: South Asian, 0.0066%; no homozygotes.

Submissions (2):

Labcorp Genetics (formerly Invitae), Labcorp
Classification: Uncertain significance for Muscular dystrophy-dystroglycanopathy (congenital with impaired intellectual development), type B, 1; Walker-Warburg congenital muscular dystrophy; Autosomal recessive limb-girdle muscular dystrophy type 2K. Last evaluated: 2022-06-13. Review status: criteria provided, single submitter. Criteria: Invitae Variant Classification Sherloc (09022015). Collection method: clinical testing. Allele origin: germline.
Comment: This sequence change replaces proline, which is neutral and non-polar, with leucine, which is neutral and non-polar, at codon 244 of the POMT1 protein (p.Pro244Leu). This variant is present in population databases (rs201225383, gnomAD 0.06%). This variant has not been reported in the literature in individuals affected with POMT1-related conditions. ClinVar contains an entry for this variant (Variation ID: 1010883). Algorithms developed to predict the effect of missense changes on protein structure and function output the following: SIFT: "Deleterious"; PolyPhen-2: "Benign"; Align-GVGD: "Class C0". The leucine amino acid residue is found in multiple mammalian species, which suggests that this missense change does not adversely affect protein function. In summary, the available evidence is currently insufficient to determine the role of this variant in disease. Therefore, it has been classified as a Variant of Uncertain Significance.

Revvity Omics, Revvity
Classification: Uncertain significance. Last evaluated: 2019-01-04. Review status: criteria provided, single submitter. Criteria: ACMG Guidelines, 2015. Collection method: clinical testing. Allele origin: germline.